The following is an entry in ClinVar:

NM_020549.5(CHAT):c.1918G>A (p.Glu640Lys)

Gene: CHAT (choline O-acetyltransferase; plus strand). Cytogenetic location: 10q11.23.
Variant type: single nucleotide variant.
Coding change: c.1918G>A on transcript NM_020549.5 (MANE Select); coding-DNA position 1918, G replaced by A.
Protein change: p.Glu640Lys; replaces glutamic acid 640 with lysine.
Molecular consequence: missense variant.
Genome position (GRCh38, 1-based): chr10:49,662,723, G>A. VCF-style: chr10-49662723-G-A. GRCh37 (hg19) VCF-style: chr10-50870769-G-A.
Other names: c.1564G>A, p.Glu522Lys (NM_001142929.2, NM_001142934.2, NM_020984.4 and 2 more transcripts); c.1672G>A, p.Glu558Lys (NM_001142933.2); short protein forms E640K, E558K, E522K.
Identifiers: ClinVar variation 843375 (VCV000843375.9), dbSNP rs774403163, ClinGen allele CA5497672.

ClinVar aggregate classification (germline): Uncertain significance (1 of 4 stars; one submission).

Conditions:
Familial infantile myasthenia (CMS6). Also called: Congenital myasthenic syndrome type 6; MYASTHENIC SYNDROME, PRESYNAPTIC, CONGENITAL, ASSOCIATED WITH EPISODIC APNEA; MYASTHENIC SYNDROME, CONGENITAL, 6, PRESYNAPTIC. Identifiers: Orphanet 590, MedGen C0393929, MONDO:0009689, OMIM 254210.

Allele frequency attached by ClinVar (database versions not stated): gnomAD exomes below 0.00001 and 0.00001; ExAC 0.00001; gnomAD 0.00001.
gnomAD v4.1: 11 of 1,614,234 alleles (0.00068%); highest among the groups gnomAD compares: Middle Eastern, 0.016%; no homozygotes.

Submission:

Labcorp Genetics (formerly Invitae), Labcorp
Classification: Uncertain significance for Familial infantile myasthenia. Last evaluated: 2024-04-25. Review status: criteria provided, single submitter. Criteria: Invitae Variant Classification Sherloc (09022015). Collection method: clinical testing. Allele origin: germline.
Comment: This sequence change replaces glutamic acid, which is acidic and polar, with lysine, which is basic and polar, at codon 640 of the CHAT protein (p.Glu640Lys). This variant is present in population databases (rs774403163, gnomAD 0.0009%). This variant has not been reported in the literature in individuals affected with CHAT-related conditions. ClinVar contains an entry for this variant (Variation ID: 843375). Advanced modeling of protein sequence and biophysical properties (such as structural, functional, and spatial information, amino acid conservation, physicochemical variation, residue mobility, and thermodynamic stability) performed at Invitae indicates that this missense variant is not expected to disrupt CHAT protein function with a negative predictive value of 95%. In summary, the available evidence is currently insufficient to determine the role of this variant in disease. Therefore, it has been classified as a Variant of Uncertain Significance.